The following is an entry in ClinVar:

NM_000159.4(GCDH):c.853-33G>A

Gene: GCDH (glutaryl-CoA dehydrogenase; plus strand). Cytogenetic location: 19p13.13.
Variant type: single nucleotide variant.
Coding change: c.853-33G>A on transcript NM_000159.4 (MANE Select); 33 bases into the intron before coding-DNA position 853, G replaced by A.
Molecular consequence: intron variant.
Genome position (GRCh38, 1-based): chr19:12,896,877, G>A. VCF-style: chr19-12896877-G-A. GRCh37 (hg19) VCF-style: chr19-13007691-G-A.
Other names: c.853-33G>A (NM_013976.5).
Identifiers: ClinVar variation 4856250 (VCV004856250.1).
Genomic context (GRCh38, chr19:12,896,877, plus strand): 5'-TGGGGAGGAGGCTTTCCCTGCTTCAGAGTTGGTTCTGCATAGGCCCTCTTGGTGTCTCTT[G>A]GGTGGGCCTGAGGCGCCATCTCAACCCTACAGGGTCCCTTCGGCTGCCTGAACAACGCCC-3'

ClinVar aggregate classification (germline): Uncertain significance (1 of 4 stars; one submission).

Conditions:
Glutaric aciduria, type 1. Also called: GA I; Glutaricaciduria, type I; Glutaricacidemia Type 1; Glutaric Acidemia Type 1; Glutaryl-CoA dehydrogenase deficiency; Glutaric acidemia type I. Identifiers: Orphanet 25, MedGen C0268595, MONDO:0009281, OMIM 231670.

gnomAD v4.1: 1 of 1,491,026 alleles (0.000067%); highest among the groups gnomAD compares: Non-Finnish European, 0.000094%; no homozygotes.

Submission:

3billion
Classification: Uncertain significance for Glutaric aciduria, type 1. Last evaluated: 2025-08-02. Review status: criteria provided, single submitter. Criteria: ACMG Guidelines, 2015. Collection method: clinical testing. Allele origin: germline. Affected: yes.
Comment: The variant is observed at an extremely low frequency in the gnomAD v4.1.0 dataset (total allele frequency: <0.001%). Predicted Consequence/Location: Intron variant In silico tools predict the variant to alter splicing and produce an abnormal transcript [SpliceAI: 0.78 (>=0.2, moderate evidence for spliceogenicity)]. Therefore, this variant is classified as VUS according to the recommendation of ACMG/AMP guideline.